The following is an entry in ClinVar:

NM_001367873.1(SOX6):c.2170T>C (p.Phe724Leu)

Gene: SOX6 (SRY-box transcription factor 6; minus strand). Cytogenetic location: 11p15.2.
Variant type: single nucleotide variant.
Coding change: c.2170T>C on transcript NM_001367873.1 (MANE Select); coding-DNA position 2170, T replaced by C.
Protein change: p.Phe724Leu; replaces phenylalanine 724 with leucine.
Molecular consequence: missense variant.
Genome position (GRCh38, 1-based): chr11:15,986,217, A>G on the plus strand (T>C on the coding strand, the complement: SOX6 is on the minus strand). VCF-style: chr11-15986217-A-G. GRCh37 (hg19) VCF-style: chr11-16007763-A-G.
Other names: c.2089T>C, p.Phe697Leu (NM_001145811.2, NM_017508.3); c.2170T>C, p.Phe724Leu (NM_001145819.2); c.2047T>C, p.Phe683Leu (NM_001367872.1); c.2110T>C, p.Phe704Leu (NM_033326.3); short protein forms F683L, F697L, F704L, F724L.
Identifiers: ClinVar variation 1804431 (VCV001804431.1), dbSNP rs2493971336, ClinGen allele CA379873427.

ClinVar aggregate classification (germline): Uncertain significance (1 of 4 stars; one submission).

Submission:

GeneDx
Classification: Uncertain significance. Last evaluated: 2022-06-15. Review status: criteria provided, single submitter. Criteria: GeneDx Variant Classification Process June 2021. Collection method: clinical testing. Allele origin: germline. Affected: yes.
Comment: Not observed at significant frequency in large population cohorts (gnomAD); In silico analysis supports that this missense variant has a deleterious effect on protein structure/function; Has not been previously published as pathogenic or benign to our knowledge